The following is an entry in ClinVar:

NM_004984.4(KIF5A):c.1057A>G (p.Thr353Ala)

Gene: KIF5A (kinesin family member 5A; plus strand). Cytogenetic location: 12q13.3.
Variant type: single nucleotide variant.
Coding change: c.1057A>G on transcript NM_004984.4 (MANE Select); coding-DNA position 1057, A replaced by G.
Protein change: p.Thr353Ala; replaces threonine 353 with alanine.
Molecular consequence: missense variant.
Genome position (GRCh38, 1-based): chr12:57,569,623, A>G. VCF-style: chr12-57569623-A-G. GRCh37 (hg19) VCF-style: chr12-57963406-A-G.
Other names: p.Thr353Ala; c.790A>G, p.Thr264Ala (NM_001354705.2); short protein forms T264A, T353A.
Identifiers: ClinVar variation 4541724 (VCV004541724.1).

ClinVar aggregate classification (germline): Uncertain significance (1 of 4 stars; one submission).

gnomAD v4.1: 1 of 1,614,016 alleles (0.000062%); highest among the groups gnomAD compares: Non-Finnish European, 0.000085%; no homozygotes.

Submission:

Mayo Clinic Laboratories, Mayo Clinic
Classification: Uncertain significance. Last evaluated: 2025-06-17. Review status: criteria provided, single submitter. Criteria: ACMG Guidelines, 2015. Collection method: clinical testing. Allele origin: germline. Observed: 1 variant allele.
Comment: BP4_moderate, PM2_supporting